The following is an entry in ClinVar:

ClinVar aggregate classification (germline): Uncertain significance (1 of 4 stars; one submission).

Conditions:
Hereditary cancer-predisposing syndrome. Also called: Hereditary neoplastic syndrome; Neoplastic Syndromes, Hereditary; Tumor predisposition; Hereditary Cancer Syndrome. Identifiers: Orphanet 140162, MedGen C0027672, MeSH D009386, MONDO:0015356.

Submission:

Ambry Genetics
Classification: Uncertain significance for Hereditary cancer-predisposing syndrome. Last evaluated: 2025-09-09. Review status: criteria provided, single submitter. Criteria: Ambry Variant Classification Scheme 2023. Collection method: clinical testing. Allele origin: germline.
Comment: The c.6068_6070delGAA variant (also known as p.R2023del) is located in coding exon 15 of the APC gene. This variant results from an in-frame GAA deletion at nucleotide positions 6068 to 6070. This results in the in-frame deletion of an arginine at codon 2023. In addition, the in silico prediction for this variant is inconclusive (Choi Y et al. PLoS ONE. 2012; 7(10):e46688). Based on the available evidence, the clinical significance of this variant remains unclear.

NM_000038.6(APC):c.6068_6070del (p.Arg2023del)

Gene: APC (APC regulator of Wnt signaling pathway; plus strand). Cytogenetic location: 5q22.2.
Variant type: Deletion.
Coding change: c.6068_6070del on transcript NM_000038.6 (MANE Select); coding-DNA positions 6068 to 6070, 3 bases deleted (GAA; older notation c.6068_6070delGAA).
Protein change: p.Arg2023del; deletes arginine 2023.
Molecular consequence: non-coding transcript variant (on NR_176365.1).
Genome position (GRCh38, 1-based): chr5:112,841,662-112,841,664, GAA deleted; deleting any 3 consecutive bases within chr5:112,841,660-112,841,664 gives the same sequence; the c. name uses the placement nearest the transcript's 3' end. VCF-style (leftmost placement, unchanged base first): chr5-112841659-CAAG-C. GRCh37 (hg19) VCF-style: chr5-112177356-CAAG-C.
Other names: c.6068_6070del, p.Arg2023del (NM_001127510.3, NM_001354895.2, NM_001407450.1); c.6014_6016del, p.Arg2005del (NM_001127511.3); c.6122_6124del, p.Arg2041del (NM_001354896.2, NM_001407447.1, NM_001407448.1 and 1 more transcripts); c.6098_6100del, p.Arg2033del (NM_001354897.2); c.5993_5995del, p.Arg1998del (NM_001354898.2); c.5984_5986del, p.Arg1995del (NM_001354899.2); c.5945_5947del, p.Arg1982del (NM_001354900.2); c.5891_5893del, p.Arg1964del (NM_001354901.2, NM_001407453.1); and 11 more; short protein forms R1863del, R1922del, R1998del, R2005del, R1897del, R1932del, R1964del, R1995del.
Identifiers: ClinVar variation 4121650 (VCV004121650.1).